The following is an entry in ClinVar:

ClinVar aggregate classification (germline): Uncertain significance (1 of 4 stars; one submission).

Submission:

GeneDx
Classification: Uncertain significance. Last evaluated: 2025-03-04. Review status: criteria provided, single submitter. Criteria: GeneDx Variant Classification Process June 2021. Collection method: clinical testing. Allele origin: germline. Affected: yes.
Comment: Not observed at significant frequency in large population cohorts (gnomAD); In silico analysis indicates that this missense variant does not alter protein structure/function; Has not been previously published as pathogenic or benign to our knowledge

NM_000141.5(FGFR2):c.373A>G (p.Thr125Ala)

Gene: FGFR2 (fibroblast growth factor receptor 2; minus strand). Cytogenetic location: 10q26.13.
Variant type: single nucleotide variant.
Coding change: c.373A>G on transcript NM_000141.5 (MANE Select); coding-DNA position 373, A replaced by G.
Protein change: p.Thr125Ala; replaces threonine 125 with alanine.
Molecular consequence: missense variant. On other transcripts: intron variant (9).
Genome position (GRCh38, 1-based): chr10:121,565,441, T>C on the plus strand (A>G on the coding strand, the complement: FGFR2 is on the minus strand). VCF-style: chr10-121565441-T-C. GRCh37 (hg19) VCF-style: chr10-123324955-T-C.
Other names: c.373A>G, p.Thr125Ala (NM_001144913.1, NM_001144914.1, NM_001144917.2 and 3 more transcripts); c.110-13982A>G (NM_001144918.2, NM_001441091.1, NM_001441090.1 and 1 more transcripts); c.110-862A>G (NM_001441089.1, NM_023029.3, NM_001441088.1 and 2 more transcripts); short protein forms T125A.
Identifiers: ClinVar variation 4082723 (VCV004082723.1).
Genomic context (GRCh38, chr10:121,565,441, plus strand): 5'-CAAAAAAATGTAATGGCTACAGAGAAGAGAGAGCATAGTGCTGGCGGGCCAACTCACCTG[T>C]GACATTCACCATGAAGTACCAAGTTTCACTGTCTACAGTCCTACTGGCAGTACAAGCATA-3'
Protein context (NP_000132.3, residues 115-135): SETWYFMVNV[Thr125Ala]DAISSGDDED